The following is an entry in ClinVar:

ClinVar aggregate classification (germline): Uncertain significance (1 of 4 stars; one submission).

gnomAD v4.1: 2 of 1,614,192 alleles (0.00012%); highest among the groups gnomAD compares: Middle Eastern, 0.016%; no homozygotes.

Submission:

Labcorp Genetics (formerly Invitae), Labcorp
Classification: Uncertain significance. Last evaluated: 2025-03-12. Review status: criteria provided, single submitter. Criteria: Invitae Variant Classification Sherloc (09022015). Collection method: clinical testing. Allele origin: germline.
Comment: This sequence change replaces leucine, which is neutral and non-polar, with arginine, which is basic and polar, at codon 614 of the DHX32 protein (p.Leu614Arg). This variant is not present in population databases (gnomAD no frequency). This variant has not been reported in the literature in individuals affected with DHX32-related conditions. An algorithm developed to predict the effect of missense changes on protein structure and function outputs the following: PolyPhen-2: "Benign". The arginine amino acid residue is found in multiple mammalian species, which suggests that this missense change does not adversely affect protein function. In summary, the available evidence is currently insufficient to determine the role of this variant in disease. Therefore, it has been classified as a Variant of Uncertain Significance.

NM_018180.3(DHX32):c.1841T>G (p.Leu614Arg)

Genes: BCCIP (BRCA2 and CDKN1A interacting protein; plus strand), DHX32 (DEAH-box helicase 32 (putative); minus strand). Cytogenetic location: 10q26.2.
Variant type: single nucleotide variant.
Coding change: c.1841T>G on transcript NM_018180.3 (MANE Select); coding-DNA position 1841, T replaced by G.
Protein change: p.Leu614Arg; replaces leucine 614 with arginine.
Molecular consequence: missense variant. On other transcripts: intron variant (2).
Genome position (GRCh38, 1-based): chr10:125,839,041, A>C on the plus strand (T>G on the coding strand, the complement: DHX32 is on the minus strand). VCF-style: chr10-125839041-A-C. GRCh37 (hg19) VCF-style: chr10-127527610-A-C.
Other names: c.775-2214A>C (NM_016567.4, NM_078469.3); short protein forms L614R.
Identifiers: ClinVar variation 4760841 (VCV004760841.1).